The following is an entry in ClinVar:

NM_016239.4(MYO15A):c.2217A>G (p.Pro739=)

Gene: MYO15A (myosin XVA; plus strand). Cytogenetic location: 17p11.2.
Variant type: single nucleotide variant.
Coding change: c.2217A>G on transcript NM_016239.4 (MANE Select); coding-DNA position 2217, A replaced by G.
Protein change: p.Pro739=; no amino-acid change (proline 739 retained).
Molecular consequence: synonymous variant.
Genome position (GRCh38, 1-based): chr17:18,121,017, A>G. VCF-style: chr17-18121017-A-G. GRCh37 (hg19) VCF-style: chr17-18024331-A-G.
Identifiers: ClinVar variation 514236 (VCV000514236.4), dbSNP rs1388007814, ClinGen allele CA498429088.
Genomic context (GRCh38, chr17:18,121,017, plus strand): 5'-GGCCTTCGTGGAGCCCCCTGCCGTGAGCCCGGAGGTGCCCCCCGACCTACTAGCCTTCCC[A>G]GGGCCCCGACCCTCGTTCAGGGGCTCCCGCCGGAGAGGGGCGGCTTTCGGCTTCCCCGGG-3'
Protein context (NP_057323.3, residues 729-749): PEVPPDLLAF[Pro739=]GPRPSFRGSR

ClinVar aggregate classification (germline): Likely benign. Review status: criteria provided, multiple submitters, no conflicts (2 of 4 stars). 2 submissions from 2 submitters: Likely benign (2). Last evaluated 2023-05-19.

Allele frequency attached by ClinVar (database versions not stated): gnomAD 0.00001; TOPMed 0.00002.
gnomAD v4.1: 3 of 1,508,516 alleles (0.0002%); highest among the groups gnomAD compares: African/African-American, 0.0029%; no homozygotes.

Submissions (2):

Labcorp Genetics (formerly Invitae), Labcorp
Classification: Likely benign. Last evaluated: 2023-05-19. Review status: criteria provided, single submitter. Criteria: Invitae Variant Classification Sherloc (09022015). Collection method: clinical testing. Allele origin: germline.

GeneDx
Classification: Likely benign. Last evaluated: 2017-12-14. Review status: criteria provided, single submitter. Criteria: GeneDx Variant Classification (06012015). Collection method: clinical testing. Allele origin: germline. Affected: yes.
Comment: This variant is considered likely benign or benign based on one or more of the following criteria: it is a conservative change, it occurs at a poorly conserved position in the protein, it is predicted to be benign by multiple in silico algorithms, and/or has population frequency not consistent with disease.